The following is an entry in ClinVar:

ClinVar aggregate classification (germline): Conflicting classifications of pathogenicity. Review status: criteria provided, conflicting classifications (1 of 4 stars). 6 submissions from 6 submitters: Likely pathogenic (2); Uncertain significance (2). 2 of the submissions do not count toward it. Last evaluated 2026-10-16.

Conditions:
Dilated cardiomyopathy 1D. Identifiers: Orphanet 154, Orphanet 54260, MedGen C1832243, MONDO:0011095, OMIM 601494.
Hypertrophic cardiomyopathy 2. Also called: TNNT2-Related Familial Hypertrophic Cardiomyopathy. Identifiers: MedGen C1861864, MONDO:0007266, OMIM 115195.
Cardiomyopathy, familial restrictive, 3. Identifiers: Orphanet 75249, MedGen C2676271, MONDO:0012900, OMIM 612422.
Cardiomyopathy (CMYO). Also called: Cardiomyopathies. Identifiers: Orphanet 167848, MedGen C0878544, MONDO:0004994, HP:0001638. Inheritance: Various modes of inheritance.
Cardiovascular phenotype. Identifiers: MedGen CN230736.

Allele frequency attached by ClinVar (database versions not stated): gnomAD exomes 0.00001; gnomAD 0.00001; ExAC 0.00001; TOPMed 0.00002.
gnomAD v4.1: 4 of 1,613,004 alleles (0.00025%); highest among the groups gnomAD compares: Non-Finnish European, 0.00034%; no homozygotes.

Submissions (6):

GeneDx
Classification: Likely pathogenic. Last evaluated: 2026-10-16. Review status: criteria provided, single submitter. Criteria: GeneDx Variant Classification Process June 2021. Collection method: clinical testing. Allele origin: germline.
Comment: Not observed at significant frequency in large population cohorts (gnomAD); In silico analysis supports that this missense variant has a deleterious effect on protein structure/function; This variant is associated with the following publications: (PMID: 29988065, 29447731)

Labcorp Genetics (formerly Invitae), Labcorp
Classification: Likely pathogenic for Cardiomyopathy, familial restrictive, 3; Hypertrophic cardiomyopathy 2; Dilated cardiomyopathy 1D. Last evaluated: 2026-01-05. Review status: criteria provided, single submitter. Criteria: Invitae Variant Classification Sherloc (09022015). Collection method: clinical testing. Allele origin: germline.
Comment: This sequence change replaces arginine, which is basic and polar, with glutamine, which is neutral and polar, at codon 134 of the TNNT2 protein (p.Arg134Gln). This variant is present in population databases (rs754037135, gnomAD 0.002%). This missense change has been observed in individual(s) with dilated cardiomyopathy (internal data). ClinVar contains an entry for this variant (Variation ID: 927685). Invitae Evidence Modeling of protein sequence and biophysical properties (such as structural, functional, and spatial information, amino acid conservation, physicochemical variation, residue mobility, and thermodynamic stability) indicates that this missense variant is expected to disrupt TNNT2 protein function with a positive predictive value of 80%. This variant disrupts the p.Arg134 amino acid residue in TNNT2. Other variant(s) that disrupt this residue have been determined to be pathogenic (PMID: 20031601, 22464770). This suggests that this residue is clinically significant, and that variants that disrupt this residue are likely to be disease-causing. In summary, the currently available evidence indicates that the variant is pathogenic, but additional data are needed to prove that conclusively. Therefore, this variant has been classified as Likely Pathogenic.

Color Diagnostics, LLC DBA Color Health
Classification: Uncertain significance for Cardiomyopathy. Last evaluated: 2025-05-06. Review status: criteria provided, single submitter. Criteria: ACMG Guidelines, 2015. Collection method: clinical testing. Allele origin: germline.
Comment: This missense variant replaces arginine with glutamine at codon 134 of the TNNT2 protein. This variant is found within a highly conserved region of the tropomyosin binding domain. Missense variants in this region have been shown to be significantly overrepresented in individuals with affected with hypertrophic cardiomyopathy (PMID: 30696458). Computational prediction suggests that this variant may have a deleterious impact on protein structure and function. To our knowledge, functional studies have not been reported for this variant. This variant has been reported in an individual affected with noncompaction cardiomyopathy (PMID: 29447731) and in an individual affected with cardiomyopathy (PMID: 29988065). This variant has been identified in 3/281364 chromosomes in the general population by the Genome Aggregation Database (gnomAD). A different variant affecting the same codon, p.Arg134Gly, is considered to be disease-causing (ClinVar variation ID: 43639), suggesting that arginine at this position is important for TNNT2 protein function. The available evidence is insufficient to determine the role of this variant in disease conclusively. Therefore, this variant is classified as a Variant of Uncertain Significance.

Ambry Genetics
Classification: Uncertain significance for Cardiovascular phenotype. Last evaluated: 2024-07-08. Review status: criteria provided, single submitter. Criteria: Ambry Variant Classification Scheme 2023. Collection method: clinical testing. Allele origin: germline.
Comment: The p.R134Q variant (also known as c.401G>A), located in coding exon 9 of the TNNT2 gene, results from a G to A substitution at nucleotide position 401. The arginine at codon 134 is replaced by glutamine, an amino acid with highly similar properties. This amino acid position is highly conserved in available vertebrate species. In addition, this alteration is predicted to be deleterious by in silico analysis. Since supporting evidence is limited at this time, the clinical significance of this alteration remains unclear.

Diagnostic Laboratory, Department of Genetics, University Medical Center Groningen
Classification: Uncertain significance. Review status: no assertion criteria provided. Collection method: clinical testing. Allele origin: germline. Affected: yes. Study: VKGL Data-share Consensus. Not counted in ClinVar's aggregate classification.

Genome Diagnostics Laboratory, University Medical Center Utrecht
Classification: Uncertain significance. Review status: no assertion criteria provided. Collection method: clinical testing. Allele origin: germline. Affected: yes. Study: VKGL Data-share Consensus. Not counted in ClinVar's aggregate classification.

Literature cited by the submitters: PubMed 20031601 (cited by Labcorp Genetics (formerly Invitae), Labcorp); PubMed 22464770 (cited by Labcorp Genetics (formerly Invitae), Labcorp); PubMed 29447731 (cited by Color Diagnostics, LLC DBA Color Health); PubMed 29988065 (cited by Color Diagnostics, LLC DBA Color Health); PubMed 30696458 (cited by Color Diagnostics, LLC DBA Color Health); PubMed 19412328 (cited by Ambry Genetics); PubMed 27532257 (cited by Ambry Genetics); PubMed 28798025 (cited by Ambry Genetics); PubMed 31918855 (cited by Ambry Genetics).

NM_001276345.2(TNNT2):c.431G>A (p.Arg144Gln)

Gene: TNNT2 (troponin T2, cardiac type; minus strand). Cytogenetic location: 1q32.1.
Variant type: single nucleotide variant.
Coding change: c.431G>A on transcript NM_001276345.2 (MANE Select); coding-DNA position 431, G replaced by A.
Protein change: p.Arg144Gln; replaces arginine 144 with glutamine.
Molecular consequence: missense variant.
Genome position (GRCh38, 1-based): chr1:201,364,356, C>T on the plus strand (G>A on the coding strand, the complement: TNNT2 is on the minus strand). VCF-style: chr1-201364356-C-T. GRCh37 (hg19) VCF-style: chr1-201333484-C-T.
Other names: c.431G>A, p.Arg144Gln (NM_000364.4); c.401G>A, p.Arg134Gln (NM_001001430.3, NM_001001431.3, NM_001276347.2); c.386G>A, p.Arg129Gln (NM_001001432.3); c.311G>A, p.Arg104Gln (NM_001276346.2); short protein forms R134Q, R104Q, R144Q, R129Q.
Identifiers: ClinVar variation 927685 (VCV000927685.24), dbSNP rs754037135, ClinGen allele CA089004.